The following is an entry in ClinVar:

NM_002691.4(POLD1):c.875G>A (p.Trp292Ter)

Gene: POLD1 (DNA polymerase delta 1, catalytic subunit; plus strand). Cytogenetic location: 19q13.33.
Variant type: single nucleotide variant.
Coding change: c.875G>A on transcript NM_002691.4 (MANE Select); coding-DNA position 875, G replaced by A.
Protein change: p.Trp292Ter; replaces tryptophan 292 with a stop codon.
Molecular consequence: nonsense. On other transcripts: non-coding transcript variant (1).
Genome position (GRCh38, 1-based): chr19:50,402,646, G>A. VCF-style: chr19-50402646-G-A. GRCh37 (hg19) VCF-style: chr19-50905903-G-A.
Other names: c.875G>A, p.Trp292Ter (NM_001256849.1, NM_001308632.1); short protein forms W292*.
Identifiers: ClinVar variation 2001318 (VCV002001318.4), dbSNP rs2038698829, ClinGen allele CA406976811.

ClinVar aggregate classification (germline): Uncertain significance (1 of 4 stars; one submission).

Conditions:
POLD1-related polyposis and colorectal cancer syndrome (CRCS10). Also called: Colorectal cancer 10; COLORECTAL CANCER, SUSCEPTIBILITY TO, ON CHROMOSOME 19q; Colorectal cancer, susceptibility to, 10. Identifiers: Orphanet 220460, MedGen C2675481, MONDO:0012953, OMIM 612591.

Submission:

Labcorp Genetics (formerly Invitae), Labcorp
Classification: Uncertain significance for POLD1-related polyposis and colorectal cancer syndrome. Last evaluated: 2022-05-31. Review status: criteria provided, single submitter. Criteria: Invitae Variant Classification Sherloc (09022015). Collection method: clinical testing. Allele origin: germline.
Comment: This sequence change creates a premature translational stop signal (p.Trp292*) in the POLD1 gene. Missense variants that disrupt the 3'-5' exonuclease (proof-reading) activity of the POLD1 protein are associated with an increased risk for colonic adenomatous polyps and colon cancer (PMID: 23263490, 23447401). However, loss-of-function variants that result in an absent or severely disrupted POLD1 protein, and missense variants outside the exonuclease domain, are unlikely to be associated with polyposis or colon cancer. This variant is not present in population databases (gnomAD no frequency). This variant has not been reported in the literature in individuals affected with POLD1-related conditions. In summary, the available evidence is currently insufficient to determine the role of this variant in disease. Therefore, it has been classified as a Variant of Uncertain Significance.

Literature cited by the submitters: PubMed 23263490; PubMed 23447401.